The following is an entry in ClinVar:

NM_001377142.1(PLCB4):c.1732T>C (p.Ser578Pro)

Gene: PLCB4 (phospholipase C beta 4; plus strand). Cytogenetic location: 20p12.2.
Variant type: single nucleotide variant.
Coding change: c.1732T>C on transcript NM_001377142.1 (MANE Select); coding-DNA position 1732, T replaced by C.
Protein change: p.Ser578Pro; replaces serine 578 with proline.
Molecular consequence: missense variant.
Genome position (GRCh38, 1-based): chr20:9,408,001, T>C. VCF-style: chr20-9408001-T-C. GRCh37 (hg19) VCF-style: chr20-9388648-T-C.
Other names: c.1696T>C, p.Ser566Pro (NM_000933.4, NM_001377134.2, NM_001377135.1 and 2 more transcripts); c.1732T>C, p.Ser578Pro (NM_001172646.2, NM_001377143.1); c.1696T>C (NM_000933.3); short protein forms S566P, S578P.
Identifiers: ClinVar variation 3777145 (VCV003777145.1).
Genomic context (GRCh38, chr20:9,408,001, plus strand): 5'-CAGGCGTGGATGGCATCTTATAAATATGTAGGTGCTACCACTAATATCCATCCATATTTG[T>C]CCACAATGATCAACTACGCCCAGCCTGTAAAGTTTCAAGGTTTCCATGTGGCAGAAGGTA-3'
Protein context (NP_001364071.1, residues 568-588): GATTNIHPYL[Ser578Pro]TMINYAQPVK

ClinVar aggregate classification (germline): Likely pathogenic (1 of 4 stars; one submission).

Conditions:
Auriculocondylar syndrome 2 (ARCND2A). Also called: AURICULOCONDYLAR SYNDROME 2A. Identifiers: Orphanet 137888, MedGen C3553404, MONDO:0013845, OMIM 614669.

Submission:

University of Washington Department of Laboratory Medicine, University of Washington
Classification: Likely pathogenic for Auriculocondylar syndrome 2. Last evaluated: 2021-10-22. Review status: criteria provided, single submitter. Criteria: ACMG Guidelines, 2015. Collection method: clinical testing. Allele origin: unknown. Affected: yes.
Comment: The p.Ser566Pro variant in the PLCB4 gene has not been previously reported in association with disease and was absent from large population databases, including the Genome Aggregation Database. The p.Ser566Pro variant is located in the phosphatidylinositol-specific phospholipase C Y domain where other variants associated with auriculocondylar syndrome type 2 have clustered (Bukowska-Olech 2020). Additionally, the PLCB4 gene has fewer missense variants in the general population than expected. A low rate of missense variation may suggest that this gene is intolerant to missense variation. In silico tools predict that the p.Ser566Pro variant is deleterious; however, these predictions have not been tested directly. Using ACMG guidelines, this variant was classified as likely pathogenic for autosomal dominant auriculocondylar syndrome type 2 (ACMG evidence codes used: PM1, PM2_supporting, PP2, PP3, PP4).